The following is an entry in ClinVar:

NM_182972.3(IRF2BP2):c.541G>C (p.Gly181Arg)

Gene: IRF2BP2 (interferon regulatory factor 2 binding protein 2; minus strand). Cytogenetic location: 1q42.3.
Variant type: single nucleotide variant.
Coding change: c.541G>C on transcript NM_182972.3 (MANE Select); coding-DNA position 541, G replaced by C.
Protein change: p.Gly181Arg; replaces glycine 181 with arginine.
Molecular consequence: missense variant.
Genome position (GRCh38, 1-based): chr1:234,608,954, C>G on the plus strand (G>C on the coding strand, the complement: IRF2BP2 is on the minus strand). VCF-style: chr1-234608954-C-G. GRCh37 (hg19) VCF-style: chr1-234744700-C-G.
Other names: c.541G>C, p.Gly181Arg (NM_001077397.1); short protein forms G181R.
Identifiers: ClinVar variation 2765672 (VCV002765672.3), dbSNP rs767533986, ClinGen allele CA1461823.

ClinVar aggregate classification (germline): Uncertain significance (1 of 4 stars; one submission).

Allele frequency attached by ClinVar (database versions not stated): ExAC 0.00001.

Submission:

Labcorp Genetics (formerly Invitae), Labcorp
Classification: Uncertain significance. Last evaluated: 2023-10-05. Review status: criteria provided, single submitter. Criteria: Invitae Variant Classification Sherloc (09022015). Collection method: clinical testing. Allele origin: germline.
Comment: This sequence change replaces glycine, which is neutral and non-polar, with arginine, which is basic and polar, at codon 181 of the IRF2BP2 protein (p.Gly181Arg). This variant is present in population databases (rs767533986, gnomAD 0.002%). This variant has not been reported in the literature in individuals affected with IRF2BP2-related conditions. An algorithm developed to predict the effect of missense changes on protein structure and function (PolyPhen-2) suggests that this variant is likely to be tolerated. In summary, the available evidence is currently insufficient to determine the role of this variant in disease. Therefore, it has been classified as a Variant of Uncertain Significance.